The following is an entry in ClinVar:

NM_001308093.3(GATA4):c.1145C>G (p.Ser382Cys)

Gene: GATA4 (GATA binding protein 4). Cytogenetic location: 8p23.1.
Variant type: single nucleotide variant.
Coding change: c.1145C>G on transcript NM_001308093.3 (MANE Select); coding-DNA position 1145, C replaced by G.
Protein change: p.Ser382Cys; replaces serine 382 with cysteine.
Molecular consequence: missense variant.
Genome position (GRCh38, 1-based): chr8:11,757,079, C>G. VCF-style: chr8-11757079-C-G. GRCh37 (hg19) VCF-style: chr8-11614588-C-G.
Other names: c.524C>G, p.Ser175Cys (NM_001308094.2, NM_001374273.1); c.398C>G, p.Ser133Cys (NM_001374274.1); c.1142C>G, p.Ser381Cys (NM_002052.5); short protein forms S382C, S381C, S133C, S175C.
Identifiers: ClinVar variation 1731611 (VCV001731611.3), dbSNP rs778006606, ClinGen allele CA4630840.

ClinVar aggregate classification (germline): Uncertain significance. Review status: criteria provided, multiple submitters, no conflicts (2 of 4 stars). 2 submissions from 2 submitters: Uncertain significance (2). Last evaluated 2021-11-09.

Conditions:
Cardiovascular phenotype. Identifiers: MedGen CN230736.

Allele frequency attached by ClinVar (database versions not stated): ExAC 0.00001; gnomAD 0.00001; TOPMed 0.00001.
gnomAD v4.1: 5 of 1,613,852 alleles (0.00031%); highest among the groups gnomAD compares: African/African-American, 0.0053%; no homozygotes.

Submissions (2):

Ambry Genetics
Classification: Uncertain significance for Cardiovascular phenotype. Last evaluated: 2021-11-09. Review status: criteria provided, single submitter. Criteria: Ambry Variant Classification Scheme 2023. Collection method: clinical testing. Allele origin: germline.
Comment: The p.S381C variant (also known as c.1142C>G), located in coding exon 5 of the GATA4 gene, results from a C to G substitution at nucleotide position 1142. The serine at codon 381 is replaced by cysteine, an amino acid with dissimilar properties. This amino acid position is conserved. In addition, the in silico prediction for this alteration is inconclusive. Since supporting evidence is limited at this time, the clinical significance of this alteration remains unclear.

Blueprint Genetics
Classification: Uncertain significance. Last evaluated: 2020-08-24. Review status: criteria provided, single submitter. Criteria: ACMG Guidelines, 2015. Collection method: clinical testing. Allele origin: germline.